The following is an entry in ClinVar:

ClinVar aggregate classification (germline): Uncertain significance (1 of 4 stars; one submission).

Conditions:
Glutaric aciduria, type 1. Also called: GA I; Glutaricaciduria, type I; Glutaricacidemia Type 1; Glutaric Acidemia Type 1; Glutaryl-CoA dehydrogenase deficiency; Glutaric acidemia type I. Identifiers: Orphanet 25, MedGen C0268595, MONDO:0009281, OMIM 231670.

Submission:

Labcorp Genetics (formerly Invitae), Labcorp
Classification: Uncertain significance for Glutaric aciduria, type 1. Last evaluated: 2022-05-13. Review status: criteria provided, single submitter. Criteria: Invitae Variant Classification Sherloc (09022015). Collection method: clinical testing. Allele origin: germline.
Comment: This sequence change replaces glutamic acid, which is acidic and polar, with lysine, which is basic and polar, at codon 239 of the GCDH protein (p.Glu239Lys). This variant is not present in population databases (gnomAD no frequency). This variant has not been reported in the literature in individuals affected with GCDH-related conditions. ClinVar contains an entry for this variant (Variation ID: 1000110). Advanced modeling of protein sequence and biophysical properties (such as structural, functional, and spatial information, amino acid conservation, physicochemical variation, residue mobility, and thermodynamic stability) performed at Invitae indicates that this missense variant is expected to disrupt GCDH protein function. In summary, the available evidence is currently insufficient to determine the role of this variant in disease. Therefore, it has been classified as a Variant of Uncertain Significance.

NM_000159.4(GCDH):c.715G>A (p.Glu239Lys)

Gene: GCDH (glutaryl-CoA dehydrogenase; plus strand). Cytogenetic location: 19p13.13.
Variant type: single nucleotide variant.
Coding change: c.715G>A on transcript NM_000159.4 (MANE Select); coding-DNA position 715, G replaced by A.
Protein change: p.Glu239Lys; replaces glutamic acid 239 with lysine.
Molecular consequence: missense variant. On other transcripts: non-coding transcript variant (2).
Genome position (GRCh38, 1-based): chr19:12,896,284, G>A. VCF-style: chr19-12896284-G-A. GRCh37 (hg19) VCF-style: chr19-13007098-G-A.
Other names: c.715G>A, p.Glu239Lys (NM_013976.5); short protein forms E239K.
Identifiers: ClinVar variation 1000110 (VCV001000110.6), dbSNP rs1970677215, ClinGen allele CA404318712.